The following is an entry in ClinVar:

NM_032520.5(GNPTG):c.376G>C (p.Gly126Arg)

Gene: GNPTG (N-acetylglucosamine-1-phosphate transferase subunit gamma; plus strand). Cytogenetic location: 16p13.3.
Variant type: single nucleotide variant.
Coding change: c.376G>C on transcript NM_032520.5 (MANE Select); coding-DNA position 376, G replaced by C.
Protein change: p.Gly126Arg; replaces glycine 126 with arginine.
Molecular consequence: missense variant.
Genome position (GRCh38, 1-based): chr16:1,362,096, G>C. VCF-style: chr16-1362096-G-C. GRCh37 (hg19) VCF-style: chr16-1412097-G-C.
Other names: short protein forms G126R.
Identifiers: ClinVar variation 431928 (VCV000431928.7), dbSNP rs775359476, ClinGen allele CA394187311.

ClinVar aggregate classification (germline): Conflicting classifications of pathogenicity. Review status: criteria provided, conflicting classifications (1 of 4 stars). 3 submissions from 3 submitters: Likely pathogenic (2); Uncertain significance (1). Last evaluated 2024-07-11.

Conditions:
GNPTG-mucolipidosis. Also called: MUCOLIPIDOSIS III, COMPLEMENTATION GROUP C; MUCOLIPIDOSIS III, IRANIAN VARIANT FORM; MUCOLIPIDOSIS III, VARIANT FORM; ML III GAMMA; ML IIIC; Mucolipidosis type III gamma. Identifiers: Orphanet 423470, Orphanet 577, MedGen C1854896, MONDO:0009652, OMIM 252605.
GNPTG-related disorder. Also called: GNPTG-related condition.

gnomAD v4.1: 2 of 1,611,460 alleles (0.00012%); highest among the groups gnomAD compares: Middle Eastern, 0.017%; no homozygotes.

Submissions (3):

Blueprint Genetics
Classification: Likely pathogenic for GNPTG-related disorders. Last evaluated: 2024-07-11. Review status: criteria provided, single submitter. Criteria: ACMG Guidelines, 2015. Collection method: clinical testing. Allele origin: germline. Affected: yes. Observed: 5 variant alleles.

GeneDx
Classification: Likely pathogenic. Last evaluated: 2021-11-03. Review status: criteria provided, single submitter. Criteria: GeneDx Variant Classification Process June 2021. Collection method: clinical testing. Allele origin: germline. Affected: yes.
Comment: Not observed at significant frequency in large population cohorts (Lek et al., 2016); In silico analysis supports that this missense variant has a deleterious effect on protein structure/function; This variant is associated with the following publications: (PMID: 30882951, 29872134, 30919572)

Juno Genomics, Hangzhou Juno Genomics, Inc
Classification: Uncertain significance for GNPTG-mucolipidosis. Review status: criteria provided, single submitter. Criteria: ACMG Guidelines, 2015. Collection method: clinical testing. Allele origin: germline.
Comment: Absent from controls (or at extremely low frequency if recessive) in Genome Aggregation Database.;Multiple lines of computational evidence support a deleterious effect on the gene or gene product.;For recessive disorders, detected in trans with a pathogenic variant.;Patient's phenotype or family history is highly specific for a disease with a single genetic etiology.